The following is an entry in ClinVar:

NM_014874.4(MFN2):c.1872+5G>A

Gene: MFN2 (mitofusin 2; plus strand). Cytogenetic location: 1p36.22.
Variant type: single nucleotide variant.
Coding change: c.1872+5G>A on transcript NM_014874.4 (MANE Select); 5 bases into the intron after coding-DNA position 1872, G replaced by A.
Molecular consequence: intron variant.
Genome position (GRCh38, 1-based): chr1:12,006,698, G>A. VCF-style: chr1-12006698-G-A. GRCh37 (hg19) VCF-style: chr1-12066755-G-A.
Other names: c.1872+5G>A (NM_001127660.2).
Identifiers: ClinVar variation 2811947 (VCV002811947.3), dbSNP rs2523095657, ClinGen allele CA2739272308.

ClinVar aggregate classification (germline): Uncertain significance (1 of 4 stars; one submission).

Conditions:
Charcot-Marie-Tooth disease type 2. Also called: Charcot-Marie-Tooth type 2. Identifiers: Orphanet 64746, MedGen C0270914, MONDO:0018993.

Submission:

Labcorp Genetics (formerly Invitae), Labcorp
Classification: Uncertain significance for Charcot-Marie-Tooth disease type 2. Last evaluated: 2022-11-04. Review status: criteria provided, single submitter. Criteria: Invitae Variant Classification Sherloc (09022015). Collection method: clinical testing. Allele origin: germline.
Comment: This sequence change falls in intron 16 of the MFN2 gene. It does not directly change the encoded amino acid sequence of the MFN2 protein. It affects a nucleotide within the consensus splice site. This variant is not present in population databases (gnomAD no frequency). This variant has not been reported in the literature in individuals affected with MFN2-related conditions. Variants that disrupt the consensus splice site are a relatively common cause of aberrant splicing (PMID: 17576681, 9536098). Algorithms developed to predict the effect of sequence changes on RNA splicing suggest that this variant may disrupt the consensus splice site. In summary, the available evidence is currently insufficient to determine the role of this variant in disease. Therefore, it has been classified as a Variant of Uncertain Significance.

Literature cited by the submitters: PubMed 17576681; PubMed 9536098.